The following is an entry in ClinVar:

ClinVar aggregate classification (germline): Benign/Likely benign. Review status: criteria provided, multiple submitters, no conflicts (2 of 4 stars). 9 submissions from 8 submitters: Benign (6); Likely benign (3). Last evaluated 2026-02-03.

Conditions:
Autosomal dominant nonsyndromic hearing loss 10. Identifiers: Orphanet 90635, MedGen C1832476, MONDO:0011031, OMIM 601316.
Dilated cardiomyopathy 1J (CMD1J). Also called: CARDIOMYOPATHY, DILATED, WITH SENSORINEURAL HEARING LOSS, AUTOSOMAL DOMINANT. Identifiers: Orphanet 217622, MedGen C1854368, MONDO:0011541, OMIM 605362.

Allele frequency attached by ClinVar (database versions not stated): gnomAD exomes 0.00051 and 0.00145; ExAC 0.00171; 1000 Genomes Project 0.00479; 1000 Genomes Project 30x 0.00562; gnomAD 0.00568 and 0.00620; ESP Exome Variant Server 0.00592; TOPMed 0.00637.
gnomAD v4.1: 1,659 of 1,613,966 alleles (0.1%); highest among the groups gnomAD compares: African/African-American, 1.8%; 15 homozygotes.

Submissions (9):

Labcorp Genetics (formerly Invitae), Labcorp
Classification: Benign for Dilated cardiomyopathy 1J. Last evaluated: 2026-02-03. Review status: criteria provided, single submitter. Criteria: Invitae Variant Classification Sherloc (09022015). Collection method: clinical testing. Allele origin: germline.

Blueprint Genetics
Classification: Likely benign. Last evaluated: 2024-10-08. Review status: criteria provided, single submitter. Criteria: ACMG Guidelines, 2015. Collection method: clinical testing. Allele origin: germline.

Women's Health and Genetics/Laboratory Corporation of America, LabCorp
Classification: Benign. Last evaluated: 2020-11-09. Review status: criteria provided, single submitter. Criteria: LabCorp Variant Classification Summary - May 2015. Collection method: clinical testing. Allele origin: germline.

ARUP Laboratories, Molecular Genetics and Genomics, ARUP Laboratories
Classification: Benign. Last evaluated: 2020-04-10. Review status: criteria provided, single submitter. Criteria: ARUP Molecular Germline Variant Investigation Process. Collection method: clinical testing. Allele origin: germline.

GeneDx
Classification: Benign. Last evaluated: 2018-06-29. Review status: criteria provided, single submitter. Criteria: GeneDx Variant Classification Process June 2021. Collection method: clinical testing. Allele origin: germline. Affected: yes.

Illumina Laboratory Services, Illumina
Classification: Likely benign for Dilated cardiomyopathy 1J. Last evaluated: 2018-01-13. Review status: criteria provided, single submitter. Criteria: ICSL Variant Classification Criteria 13 December 2019. Collection method: clinical testing. Allele origin: germline.
Comment: This variant was observed in the ICSL laboratory as part of a predisposition screen in an ostensibly healthy population. It had not been previously curated by ICSL or reported in the Human Gene Mutation Database (HGMD: prior to June 1st, 2018), and was therefore a candidate for classification through an automated scoring system. Utilizing variant allele frequency, disease prevalence and penetrance estimates, and inheritance mode, an automated score was calculated to assess if this variant is too frequent to cause the disease. Based on the score and internal cut-off values, a variant classified as likely benign is not then subjected to further curation. The score for this variant resulted in a classification of likely benign for this disease.

Illumina Laboratory Services, Illumina
Classification: Benign for Autosomal dominant nonsyndromic hearing loss 10. Last evaluated: 2018-01-13. Review status: criteria provided, single submitter. Criteria: ICSL Variant Classification Criteria 13 December 2019. Collection method: clinical testing. Allele origin: germline.
Comment: This variant was observed in the ICSL laboratory as part of a predisposition screen in an ostensibly healthy population. It had not been previously curated by ICSL or reported in the Human Gene Mutation Database (HGMD: prior to June 1st, 2018), and was therefore a candidate for classification through an automated scoring system. Utilizing variant allele frequency, disease prevalence and penetrance estimates, and inheritance mode, an automated score was calculated to assess if this variant is too frequent to cause the disease. Based on the score and internal cut-off values, a variant classified as benign is not then subjected to further curation. The score for this variant resulted in a classification of benign for this disease.

Laboratory for Molecular Medicine, Mass General Brigham Personalized Medicine
Classification: Benign. Last evaluated: 2012-05-07. Review status: criteria provided, single submitter. Criteria: LMM Criteria. Collection method: clinical testing. Allele origin: germline. Observed: 10 variant alleles.
Comment: "Ser37Ser in Exon 04 of EYA4: This variant is not expected to have clinical sign ificance because it does not alter an amino acid residue, is not located within the splice consensus sequence, and has been identified in 1.8% (66/3738) of Afri can American chromosomes from a broad population by the NHLBI Exome Sequencing P roject (dbSNP rs35863035)."

Breakthrough Genomics
Classification: Likely benign. Review status: criteria provided, single submitter. Criteria: ACMG Guidelines, 2015. Collection method: not provided. Allele origin: germline. Inheritance: Autosomal dominant inheritance. Affected: yes.

NM_004100.5(EYA4):c.111T>C (p.Ser37=)

Gene: EYA4 (EYA transcriptional coactivator and phosphatase 4; plus strand). Cytogenetic location: 6q23.2.
Variant type: single nucleotide variant.
Coding change: c.111T>C on transcript NM_004100.5 (MANE Select); coding-DNA position 111, T replaced by C.
Protein change: p.Ser37=; no amino-acid change (serine 37 retained).
Molecular consequence: synonymous variant.
Genome position (GRCh38, 1-based): chr6:133,446,657, T>C. VCF-style: chr6-133446657-T-C. GRCh37 (hg19) VCF-style: chr6-133767795-T-C.
Other names: c.111T>C, p.Ser37= (NM_001301012.2, NM_001301013.2, NM_001370458.1 and 3 more transcripts).
Identifiers: ClinVar variation 44770 (VCV000044770.31), dbSNP rs35863035, ClinGen allele CA135002.